The following is an entry in ClinVar:

NM_004596.5(SNRPA):c.97A>G (p.Ile33Val)

Gene: SNRPA (small nuclear ribonucleoprotein polypeptide A; plus strand). Cytogenetic location: 19q13.2.
Variant type: single nucleotide variant.
Coding change: c.97A>G on transcript NM_004596.5 (MANE Select); coding-DNA position 97, A replaced by G.
Protein change: p.Ile33Val; replaces isoleucine 33 with valine.
Molecular consequence: missense variant.
Genome position (GRCh38, 1-based): chr19:40,757,355, A>G. VCF-style: chr19-40757355-A-G. GRCh37 (hg19) VCF-style: chr19-41263260-A-G.
Other names: U1A; short protein forms I33V.
Identifiers: ClinVar variation 446221 (VCV000446221.3), dbSNP rs1555775207, ClinGen allele CA405950369.

ClinVar aggregate classification (germline): Likely benign (1 of 4 stars; one submission).

Conditions:
Spliceosomepathy.

Submission:

Laboratorio de Citogenómica y Microarreglos, Universidad Autonoma de Nuevo Leon
Classification: Likely benign for Spliceosomepathy. Last evaluated: 2017-11-01. Review status: criteria provided, single submitter. Criteria: ACMG Guidelines, 2015. Collection method: research. Allele origin: inherited. Inheritance: Autosomal recessive inheritance. Affected: yes. Observed: 4 variant alleles, 2 heterozygotes, 2 homozygotes. Clinical features observed: Intellectual disability, Psychomotor delay, Short stature, Craniofacial, eye, and hand anomalies.
Comment: Splicing-related gene mutations might affect in different ways the expression of a single gene or multiple genes. Exome sequencing analyses by Variant Interpreter identified, in independent assays of the patients, three homozygous missense variants in exon 2 of SNRPA (hg19; chr19:41,263,260, chr19:41,263,261, and chr19:41,263,263; NM_004596.4). These variants were described as c.97A>G, c.98T>C, and c.100T>A and cause a change in two contiguous amino acids: p.Ile33Ala and p.Phe34Ile. The in-silico analyses (CFSSP, ExPASy web tool) showed a gained rich-Î±-helix region. Six different bioinformatic platforms predicted a pathogenic consequence for p.Ile33Ala and p.Phe34Ile; however, a more pathogenic score (-8.53, PROVEAN web tool) was predicted when both mutations were analyzed combined. SNRPA encodes for a protein that associates with the stem loop II of the U1 RNA. SNRPA/U1-A along with SNRNP70/U1-70K, SNRPC/U1-C and a core of proteins known as Sm, conform the U1 small nuclear ribonucleoprotein complex. The PD/ID and growth, eye, craniofacial and hand anomalies in our patients, are features also seen in other spliceosomepathies.